The following is an entry in ClinVar:

NM_006059.4(LAMC3):c.1018C>G (p.Arg340Gly)

Gene: LAMC3 (laminin subunit gamma 3; plus strand). Cytogenetic location: 9q34.12.
Variant type: single nucleotide variant.
Coding change: c.1018C>G on transcript NM_006059.4 (MANE Select); coding-DNA position 1018, C replaced by G.
Protein change: p.Arg340Gly; replaces arginine 340 with glycine.
Molecular consequence: missense variant.
Genome position (GRCh38, 1-based): chr9:131,038,905, C>G. VCF-style: chr9-131038905-C-G. GRCh37 (hg19) VCF-style: chr9-133914292-C-G.
Other names: c.1018C>G (NM_006059.3); short protein forms R340G.
Identifiers: ClinVar variation 1406140 (VCV001406140.6), dbSNP rs146887458, ClinGen allele CA5286912.

ClinVar aggregate classification (germline): Uncertain significance. Review status: criteria provided, multiple submitters, no conflicts (2 of 4 stars). 3 submissions from 3 submitters: Uncertain significance (3). Last evaluated 2026-05-22.

Conditions:
Inborn genetic diseases. Identifiers: MedGen C0950123, MeSH D030342.

Allele frequency attached by ClinVar (database versions not stated): ESP Exome Variant Server 0.00023.
gnomAD v4.1: 18 of 1,613,256 alleles (0.0011%); highest among the groups gnomAD compares: African/African-American, 0.013%; no homozygotes.

Submissions (3):

GeneDx
Classification: Uncertain significance. Last evaluated: 2026-05-22. Review status: criteria provided, single submitter. Criteria: GeneDx Variant Classification Process June 2021. Collection method: clinical testing. Allele origin: germline.
Comment: In silico analysis supports that this missense variant has a deleterious effect on protein structure/function; Has not been previously published as pathogenic or benign to our knowledge

Ambry Genetics
Classification: Uncertain significance for Inborn genetic diseases. Last evaluated: 2024-01-23. Review status: criteria provided, single submitter. Criteria: Ambry Variant Classification Scheme 2023. Collection method: clinical testing. Allele origin: germline.

Labcorp Genetics (formerly Invitae), Labcorp
Classification: Uncertain significance. Last evaluated: 2022-10-25. Review status: criteria provided, single submitter. Criteria: Invitae Variant Classification Sherloc (09022015). Collection method: clinical testing. Allele origin: germline.
Comment: This sequence change replaces arginine, which is basic and polar, with glycine, which is neutral and non-polar, at codon 340 of the LAMC3 protein (p.Arg340Gly). This variant is present in population databases (rs146887458, gnomAD 0.03%). This variant has not been reported in the literature in individuals affected with LAMC3-related conditions. ClinVar contains an entry for this variant (Variation ID: 1406140). Algorithms developed to predict the effect of missense changes on protein structure and function are either unavailable or do not agree on the potential impact of this missense change (SIFT: "Tolerated"; PolyPhen-2: "Possibly Damaging"; Align-GVGD: "Class C0"). In summary, the available evidence is currently insufficient to determine the role of this variant in disease. Therefore, it has been classified as a Variant of Uncertain Significance.